The following is an entry in ClinVar:

NM_025179.4(PLXNA2):c.2298+6A>G

Gene: PLXNA2 (plexin A2; minus strand). Cytogenetic location: 1q32.2.
Variant type: single nucleotide variant.
Coding change: c.2298+6A>G on transcript NM_025179.4 (MANE Select); 6 bases into the intron after coding-DNA position 2298, A replaced by G.
Molecular consequence: intron variant.
Genome position (GRCh38, 1-based): chr1:208,084,374, T>C on the plus strand (A>G on the coding strand, the complement: PLXNA2 is on the minus strand). VCF-style: chr1-208084374-T-C. GRCh37 (hg19) VCF-style: chr1-208257719-T-C.
Identifiers: ClinVar variation 4977722 (VCV004977722.1).

ClinVar aggregate classification (germline): Likely benign (1 of 4 stars; one submission).

Conditions:
PLXNA2-related disorder. Also called: PLXNA2-related condition.

gnomAD v4.1: 27 of 1,613,972 alleles (0.0017%); highest among the groups gnomAD compares: Non-Finnish European, 0.0021%; no homozygotes.

Submission:

PreventionGenetics, part of Exact Sciences
Classification: Likely benign for PLXNA2-related condition. Last evaluated: 2025-08-08. Review status: criteria provided, single submitter. Criteria: ACMG Guidelines, 2015. Collection method: clinical testing. Allele origin: germline.
Comment: This variant is classified as likely benign based on ACMG/AMP sequence variant interpretation guidelines (Richards et al. 2015 PMID: 25741868, with internal and published modifications).